The following is an entry in ClinVar:

NM_000022.4(ADA):c.321_328del (p.Ala108fs)

Gene: ADA (adenosine deaminase; minus strand). Cytogenetic location: 20q13.12.
Variant type: Deletion.
Coding change: c.321_328del on transcript NM_000022.4 (MANE Select); coding-DNA positions 321 to 328, 8 bases deleted (GGCCAACT; older notation c.321_328delGGCCAACT).
Protein change: p.Ala108fs; shifts the reading frame from alanine 108.
Molecular consequence: frameshift variant. On other transcripts: non-coding transcript variant (1).
Genome position (GRCh38, 1-based): chr20:44,626,490-44,626,497, AGTTGGCC deleted on the plus strand (GGCCAACT on the coding strand, the reverse complement: ADA is on the minus strand); deleting any 8 consecutive bases within chr20:44,626,490-44,626,499 gives the same sequence; the c. name uses the placement nearest the transcript's 3' end. VCF-style (leftmost placement, unchanged base first): chr20-44626489-GAGTTGGCC-G. GRCh37 (hg19) VCF-style: chr20-43255130-GAGTTGGCC-G.
Other names: c.32_39del, p.Trp11fs (NM_001322050.2); c.321_328del, p.Ala108fs (NM_001322051.2); short protein forms A108fs, W11fs.
Identifiers: ClinVar variation 5012819 (VCV005012819.1).

ClinVar aggregate classification (germline): Pathogenic (1 of 4 stars; one submission).

Conditions:
Severe combined immunodeficiency, autosomal recessive, T cell-negative, B cell-negative, NK cell-negative, due to adenosine deaminase deficiency. Also called: ADA-SCID; SCID DUE TO ADA DEFICIENCY; SCID DUE TO ADA DEFICIENCY, EARLY-ONSET; ADA deficiency; Adenosine deaminase deficient severe combined immunodeficiency; Severe combined immunodeficiency due to ADA deficiency. Identifiers: Orphanet 277, MedGen C0392607, MONDO:0007064, OMIM 102700.

Submission:

Myriad Genetics, Inc.
Classification: Pathogenic for Severe combined immunodeficiency, autosomal recessive, T cell-negative, B cell-negative, NK cell-negative, due to adenosine deaminase deficiency. Last evaluated: 2024-03-13. Review status: criteria provided, single submitter. Criteria: Myriad Autosomal Dominant, Autosomal Recessive and X-Linked Classification Criteria (2023). Collection method: clinical testing. Allele origin: unknown.
Comment: NM_000022.2(ADA):c.321_328del8(A108Qfs*11) is expected to be pathogenic in the context of adenosine deaminase deficiency. This variant is predicted to lead to an abnormal or absent protein product due to the creation of a premature termination codon in ADA, a gene where loss-of-function variants are known to be pathogenic. Please note: this variant was assessed in the context of healthy population screening.